The following is an entry in ClinVar:

NM_003803.4(MYOM1):c.4137+5G>C

Gene: MYOM1 (myomesin 1; minus strand). Cytogenetic location: 18p11.31.
Variant type: single nucleotide variant.
Coding change: c.4137+5G>C on transcript NM_003803.4 (MANE Select); 5 bases into the intron after coding-DNA position 4137, G replaced by C.
Molecular consequence: intron variant.
Genome position (GRCh38, 1-based): chr18:3,089,169, C>G on the plus strand (G>C on the coding strand, the complement: MYOM1 is on the minus strand). VCF-style: chr18-3089169-C-G. GRCh37 (hg19) VCF-style: chr18-3089167-C-G.
Other names: c.3849+5G>C (NM_019856.2).
Identifiers: ClinVar variation 2159300 (VCV002159300.4), dbSNP rs370061856, ClinGen allele CA8874050.
Genomic context (GRCh38, chr18:3,089,169, plus strand): 5'-TCCTCTTCTCTACATTCTATTTTATTTCCCTTGAATCAAATATTAAAAATTTATCTACCT[C>G]TTACCTTGCATTTCAATAGTACATTACATTCACCAGTCACTTCCCAGCTCAAATACTCAA-3'

ClinVar aggregate classification (germline): Uncertain significance (1 of 4 stars; one submission).

Conditions:
Hypertrophic cardiomyopathy. Also called: HYPERTROPHIC MYOCARDIOPATHY. Identifiers: Orphanet 217569, MedGen C0007194, MeSH D002312, MONDO:0005045, HP:0001639.

Allele frequency attached by ClinVar (database versions not stated): gnomAD exomes 0.00001; ExAC 0.00003; gnomAD 0.00003; TOPMed 0.00004; ESP Exome Variant Server 0.00025.
gnomAD v4.1: 14 of 1,602,132 alleles (0.00087%); highest among the groups gnomAD compares: African/African-American, 0.019%; no homozygotes.

Submission:

Labcorp Genetics (formerly Invitae), Labcorp
Classification: Uncertain significance for Hypertrophic cardiomyopathy. Last evaluated: 2023-11-24. Review status: criteria provided, single submitter. Criteria: Invitae Variant Classification Sherloc (09022015). Collection method: clinical testing. Allele origin: germline.
Comment: This sequence change falls in intron 29 of the MYOM1 gene. It does not directly change the encoded amino acid sequence of the MYOM1 protein. It affects a nucleotide within the consensus splice site. This variant is present in population databases (rs370061856, gnomAD 0.02%). This variant has not been reported in the literature in individuals affected with MYOM1-related conditions. ClinVar contains an entry for this variant (Variation ID: 2159300). Variants that disrupt the consensus splice site are a relatively common cause of aberrant splicing (PMID: 17576681, 9536098). Algorithms developed to predict the effect of sequence changes on RNA splicing suggest that this variant may disrupt the consensus splice site. In summary, the available evidence is currently insufficient to determine the role of this variant in disease. Therefore, it has been classified as a Variant of Uncertain Significance.

Literature cited by the submitters: PubMed 17576681; PubMed 9536098.